The following is an entry in ClinVar:

ClinVar aggregate classification (germline): Benign/Likely benign. Review status: criteria provided, multiple submitters, no conflicts (2 of 4 stars). 5 submissions from 5 submitters: Benign (3); Likely benign (2). Last evaluated 2024-11-27.

Conditions:
Joubert syndrome 1 (JBTS1). Also called: CEREBELLOPARENCHYMAL DISORDER IV; Cerebellooculorenal syndrome 1. Identifiers: MedGen C4551568, MONDO:0008944, OMIM 213300.

Submissions (5):

Blueprint Genetics
Classification: Likely benign. Last evaluated: 2024-11-27. Review status: criteria provided, single submitter. Criteria: ACMG Guidelines, 2015. Collection method: clinical testing. Allele origin: germline.

Mayo Clinic Laboratories, Mayo Clinic
Classification: Benign. Last evaluated: 2023-01-30. Review status: criteria provided, single submitter. Criteria: ACMG Guidelines, 2015. Collection method: clinical testing. Allele origin: germline. Observed: 51 variant alleles.
Comment: BA1

GeneDx
Classification: Likely benign. Last evaluated: 2020-08-20. Review status: criteria provided, single submitter. Criteria: GeneDx Variant Classification Process June 2021. Collection method: clinical testing. Allele origin: germline. Affected: yes.

Mendelics
Classification: Benign for Joubert syndrome 1. Last evaluated: 2019-05-28. Review status: criteria provided, single submitter. Criteria: Mendelics Assertion Criteria 2017. Collection method: clinical testing. Allele origin: unknown.

Labcorp Genetics (formerly Invitae), Labcorp
Classification: Benign. Last evaluated: 2017-10-13. Review status: criteria provided, single submitter. Criteria: Invitae Variant Classification Sherloc (09022015). Collection method: clinical testing. Allele origin: germline.

NM_001174150.2(ARL13B):c.486+22dup

Gene: ARL13B (ARF like GTPase 13B; plus strand). Cytogenetic location: 3q11.2.
Variant type: Duplication.
Coding change: c.486+22dup on transcript NM_001174150.2 (MANE Select); 22 bases into the intron after coding-DNA position 486, one base duplicated (T; older notation c.486+22dupT).
Molecular consequence: intron variant.
Genome position (GRCh38, 1-based): chr3:94,035,458, T duplicated; the last of 16 consecutive T bases (chr3:94,035,443-94,035,458); duplicating any one gives the same sequence. VCF-style (leftmost placement, unchanged base first): chr3-94035442-G-GT. GRCh37 (hg19) VCF-style: chr3-93754286-G-GT.
Other names: p.?; c.441+22dup (NM_001321328.2); c.486+22dup (NM_182896.3); c.177+22dup (NM_001174151.2); c.165+22dup (NM_144996.4).
Identifiers: ClinVar variation 695128 (VCV000695128.8), dbSNP rs368491848, ClinGen allele CA2504048.